The following is an entry in ClinVar:

NM_001384140.1(PCDH15):c.3483T>C (p.Thr1161=)

Gene: PCDH15 (protocadherin related 15; minus strand). Cytogenetic location: 10q21.1.
Variant type: single nucleotide variant.
Coding change: c.3483T>C on transcript NM_001384140.1 (MANE Select); coding-DNA position 3483, T replaced by C.
Protein change: p.Thr1161=; no amino-acid change (threonine 1161 retained).
Molecular consequence: synonymous variant.
Genome position (GRCh38, 1-based): chr10:53,903,261, A>G on the plus strand (T>C on the coding strand, the complement: PCDH15 is on the minus strand). VCF-style: chr10-53903261-A-G. GRCh37 (hg19) VCF-style: chr10-55663021-A-G.
Other names: c.3483T>C (NM_033056.3); c.3498T>C, p.Thr1166= (NM_001142763.2, NM_001142771.2); c.3483T>C, p.Thr1161= (NM_001142764.2, NM_001142766.2, NM_001142770.3 and 4 more transcripts); c.3270T>C, p.Thr1090= (NM_001142765.2); c.3372T>C, p.Thr1124= (NM_001142767.2); c.3417T>C, p.Thr1139= (NM_001142768.2, NM_001142773.2, NM_001354404.2); c.3519T>C, p.Thr1173= (NM_001142769.4); c.3504T>C, p.Thr1168= (NM_001354411.2).
Identifiers: ClinVar variation 1127591 (VCV001127591.11), dbSNP rs772300262, ClinGen allele CA5505657.

ClinVar aggregate classification (germline): Likely benign. Review status: criteria provided, multiple submitters, no conflicts (2 of 4 stars). 3 submissions from 3 submitters: Likely benign (3). Last evaluated 2026-08-14.

Conditions:
PCDH15-related disorder. Also called: PCDH15-related condition; PCDH15-related disorders.

Allele frequency attached by ClinVar (database versions not stated): ExAC 0.00002; gnomAD exomes 0.00002; TOPMed 0.00004; gnomAD 0.00005.
gnomAD v4.1: 48 of 1,613,044 alleles (0.003%); highest among the groups gnomAD compares: Non-Finnish European, 0.0038%; no homozygotes.

Submissions (3):

PreventionGenetics, part of Exact Sciences
Classification: Likely benign for PCDH15-related condition. Last evaluated: 2026-08-14. Review status: criteria provided, single submitter. Criteria: ACMG Guidelines, 2015. Collection method: clinical testing. Allele origin: germline.
Comment: This variant is classified as likely benign based on ACMG/AMP sequence variant interpretation guidelines (Richards et al. 2015 PMID: 25741868, with internal and published modifications).

Labcorp Genetics (formerly Invitae), Labcorp
Classification: Likely benign. Last evaluated: 2025-12-02. Review status: criteria provided, single submitter. Criteria: Invitae Variant Classification Sherloc (09022015). Collection method: clinical testing. Allele origin: germline.

Blueprint Genetics
Classification: Likely benign. Last evaluated: 2024-03-04. Review status: criteria provided, single submitter. Criteria: ACMG Guidelines, 2015. Collection method: clinical testing. Allele origin: germline.